The following is an entry in ClinVar:

ClinVar aggregate classification (germline): Pathogenic (1 of 4 stars; one submission).

Submission:

Labcorp Genetics (formerly Invitae), Labcorp
Classification: Pathogenic. Last evaluated: 2022-08-25. Review status: criteria provided, single submitter. Criteria: Invitae Variant Classification Sherloc (09022015). Collection method: clinical testing. Allele origin: germline.
Comment: This sequence change creates a premature translational stop signal (p.Ala306Glyfs*24) in the CYP11B2 gene. It is expected to result in an absent or disrupted protein product. Loss-of-function variants in CYP11B2 are known to be pathogenic (PMID: 20494601, 22801770, 26936515). For these reasons, this variant has been classified as Pathogenic. This variant has not been reported in the literature in individuals affected with CYP11B2-related conditions. This variant is not present in population databases (gnomAD no frequency).

Literature cited by the submitters: PubMed 20494601; PubMed 22801770; PubMed 26936515.

NM_000498.3(CYP11B2):c.916dup (p.Ala306fs)

Genes: CYP11B2 (cytochrome P450 family 11 subfamily B member 2; minus strand), LOC106799834 (CYP11B2 recombination region; plus strand). Cytogenetic location: 8q24.3.
Variant type: Duplication.
Coding change: c.916dup on transcript NM_000498.3 (MANE Select); coding-DNA position 916, one base duplicated (G; older notation c.916dupG).
Protein change: p.Ala306fs; shifts the reading frame from alanine 306.
Molecular consequence: frameshift variant.
Genome position (GRCh38, 1-based): chr8:142,914,302, C duplicated on the plus strand (G on the coding strand, the reverse complement: CYP11B2 is on the minus strand); the first of 2 consecutive C bases (chr8:142,914,302-142,914,303); duplicating either gives the same sequence. VCF-style (leftmost placement, unchanged base first): chr8-142914301-G-GC. GRCh37 (hg19) VCF-style: chr8-143995717-G-GC.
Other names: short protein forms A306fs.
Identifiers: ClinVar variation 2027037 (VCV002027037.4), dbSNP rs2488699918, ClinGen allele CA2580078625.